The following is an entry in ClinVar:

NM_014014.5(SNRNP200):c.1073A>G (p.Lys358Arg)

Gene: SNRNP200 (small nuclear ribonucleoprotein U5 subunit 200; minus strand). Cytogenetic location: 2q11.2.
Variant type: single nucleotide variant.
Coding change: c.1073A>G on transcript NM_014014.5 (MANE Select); coding-DNA position 1073, A replaced by G.
Protein change: p.Lys358Arg; replaces lysine 358 with arginine.
Molecular consequence: missense variant.
Genome position (GRCh38, 1-based): chr2:96,298,330, T>C on the plus strand (A>G on the coding strand, the complement: SNRNP200 is on the minus strand). VCF-style: chr2-96298330-T-C. GRCh37 (hg19) VCF-style: chr2-96964068-T-C.
Other names: c.1073A>G (NM_014014.4); short protein forms K358R.
Identifiers: ClinVar variation 1910956 (VCV001910956.7), dbSNP rs774010071, ClinGen allele CA1779020.

ClinVar aggregate classification (germline): Uncertain significance. Review status: criteria provided, multiple submitters, no conflicts (2 of 4 stars). 3 submissions from 3 submitters: Uncertain significance (3). Last evaluated 2025-03-19.

Conditions:
Inborn genetic diseases. Identifiers: MedGen C0950123, MeSH D030342.

Allele frequency attached by ClinVar (database versions not stated): ExAC 0.00001; gnomAD exomes 0.00001.
gnomAD v4.1: 10 of 1,614,238 alleles (0.00062%); highest among the groups gnomAD compares: Admixed American, 0.0017%; no homozygotes.

Submissions (3):

Ambry Genetics
Classification: Uncertain significance for Inborn genetic diseases. Last evaluated: 2025-03-19. Review status: criteria provided, single submitter. Criteria: Ambry Variant Classification Scheme 2023. Collection method: clinical testing. Allele origin: germline.

Labcorp Genetics (formerly Invitae), Labcorp
Classification: Uncertain significance. Last evaluated: 2024-04-04. Review status: criteria provided, single submitter. Criteria: Invitae Variant Classification Sherloc (09022015). Collection method: clinical testing. Allele origin: germline.
Comment: This sequence change replaces lysine, which is basic and polar, with arginine, which is basic and polar, at codon 358 of the SNRNP200 protein (p.Lys358Arg). This variant is present in population databases (rs774010071, gnomAD 0.006%). This variant has not been reported in the literature in individuals affected with SNRNP200-related conditions. ClinVar contains an entry for this variant (Variation ID: 1910956). Advanced modeling of protein sequence and biophysical properties (such as structural, functional, and spatial information, amino acid conservation, physicochemical variation, residue mobility, and thermodynamic stability) performed at Invitae indicates that this missense variant is not expected to disrupt SNRNP200 protein function with a negative predictive value of 80%. In summary, the available evidence is currently insufficient to determine the role of this variant in disease. Therefore, it has been classified as a Variant of Uncertain Significance.

Blueprint Genetics
Classification: Uncertain significance. Last evaluated: 2023-07-27. Review status: criteria provided, single submitter. Criteria: ACMG Guidelines, 2015. Collection method: clinical testing. Allele origin: germline.